The following is an entry in ClinVar:

NM_002880.4(RAF1):c.172A>C (p.Ile58Leu)

Gene: RAF1 (Raf-1 proto-oncogene, serine/threonine kinase; minus strand). Cytogenetic location: 3p25.2.
Variant type: single nucleotide variant.
Coding change: c.172A>C on transcript NM_002880.4 (MANE Select); coding-DNA position 172, A replaced by C.
Protein change: p.Ile58Leu; replaces isoleucine 58 with leucine.
Molecular consequence: missense variant. On other transcripts: synonymous variant (4), non-coding transcript variant (3).
Genome position (GRCh38, 1-based): chr3:12,618,550, T>G on the plus strand (A>C on the coding strand, the complement: RAF1 is on the minus strand). VCF-style: chr3-12618550-T-G. GRCh37 (hg19) VCF-style: chr3-12660049-T-G.
Other names: c.172A>C, p.Ile58Leu (NM_001354689.3, NM_001354690.3, NM_001354693.3); c.42A>C, p.Leu14= (NM_001354691.3, NM_001354692.3, NM_001354694.3 and 1 more transcripts); short protein forms I58L.
Identifiers: ClinVar variation 229177 (VCV000229177.6), dbSNP rs147984543, ClinGen allele CA10576607.
Genomic context (GRCh38, chr3:12,618,550, plus strand): 5'-TTTCCTAAGTAGAATGTTCACATACCACTGTTCTTTGCTTGTTCGGCAAGAAAACACGGA[T>G]AGTGTTGCTTGTCTTAGAAGGATCTGTGAGTTTGCCATCATCTGATGCCCGGCGCTGATA-3'
Protein context (NP_002871.1, residues 48-68): LTDPSKTSNT[Ile58Leu]RVFLPNKQRT

ClinVar aggregate classification (germline): Uncertain significance (1 of 4 stars; one submission).

Allele frequency attached by ClinVar (database versions not stated): gnomAD exomes below 0.00001.
gnomAD v4.1: 1 of 1,614,216 alleles (0.000062%); highest among the groups gnomAD compares: Non-Finnish European, 0.000085%; no homozygotes.

Submission:

Laboratory for Molecular Medicine, Mass General Brigham Personalized Medicine
Classification: Uncertain significance. Last evaluated: 2021-04-06. Review status: criteria provided, single submitter. Criteria: LMM Criteria. Collection method: clinical testing. Allele origin: germline. Observed: 1 variant allele.
Comment: proposed classification - variant undergoing re-assessment, contact laboratory